The following is an entry in ClinVar:

ClinVar aggregate classification (germline): Uncertain significance (1 of 4 stars; one submission).

gnomAD v4.1: 4 of 1,613,190 alleles (0.00025%); highest among the groups gnomAD compares: Non-Finnish European, 0.00034%; no homozygotes.

Submission:

Labcorp Genetics (formerly Invitae), Labcorp
Classification: Uncertain significance. Last evaluated: 2024-10-30. Review status: criteria provided, single submitter. Criteria: Invitae Variant Classification Sherloc (09022015). Collection method: clinical testing. Allele origin: germline.
Comment: This sequence change affects codon 481 of the OPA1 mRNA. It is a 'silent' change, meaning that it does not change the encoded amino acid sequence of the OPA1 protein. This variant also falls at the last nucleotide of exon 14, which is part of the consensus splice site for this exon. This variant is present in population databases (rs747972653, gnomAD 0.002%). This variant has not been reported in the literature in individuals affected with OPA1-related conditions. Variants that disrupt the consensus splice site are a relatively common cause of aberrant splicing (PMID: 17576681, 9536098). Algorithms developed to predict the effect of sequence changes on RNA splicing suggest that this variant may disrupt the consensus splice site. In summary, the available evidence is currently insufficient to determine the role of this variant in disease. Therefore, it has been classified as a Variant of Uncertain Significance.

Literature cited by the submitters: PubMed 17576681; PubMed 9536098.

NM_130837.3(OPA1):c.1608G>A (p.Arg536=)

Gene: OPA1 (OPA1 mitochondrial dynamin like GTPase; plus strand). Cytogenetic location: 3q29.
Variant type: single nucleotide variant.
Coding change: c.1608G>A on transcript NM_130837.3 (MANE Select); coding-DNA position 1608, G replaced by A.
Protein change: p.Arg536=; no amino-acid change (arginine 536 retained).
Molecular consequence: synonymous variant.
Genome position (GRCh38, 1-based): chr3:193,644,105, G>A. VCF-style: chr3-193644105-G-A. GRCh37 (hg19) VCF-style: chr3-193361894-G-A.
Other names: c.1074G>A, p.Arg358= (NM_001354663.2); c.1071G>A, p.Arg357= (NM_001354664.2); c.1443G>A, p.Arg481= (NM_015560.3); c.1335G>A, p.Arg445= (NM_130831.3); c.1389G>A, p.Arg463= (NM_130832.3); c.1446G>A, p.Arg482= (NM_130833.3); c.1497G>A, p.Arg499= (NM_130834.3); c.1500G>A, p.Arg500= (NM_130835.3); and 1 more.
Identifiers: ClinVar variation 3678445 (VCV003678445.2).
Genomic context (GRCh38, chr3:193,644,105, plus strand): 5'-AACCATATTCGTTTTGACCAAAGTAGACCTGGCAGAGAAAAATGTAGCCAGTCCAAGCAG[G>A]GTGAGGTCAAATTCTTTGTTGCGAGAATAGATTCTTTGTAAAAGCTCCAGCTGTGATAGG-3'
Protein context (NP_570850.2, residues 526-546): LAEKNVASPS[Arg536=]IQQIIEGKLF